The following is an entry in ClinVar:

ClinVar aggregate classification (germline): Uncertain significance (1 of 4 stars; one submission).

Allele frequency attached by ClinVar (database versions not stated): TOPMed below 0.00001.
gnomAD v4.1: 2 of 1,614,036 alleles (0.00012%); highest among the groups gnomAD compares: Non-Finnish European, 0.00017%; no homozygotes.

Submission:

Labcorp Genetics (formerly Invitae), Labcorp
Classification: Uncertain significance. Last evaluated: 2021-08-30. Review status: criteria provided, single submitter. Criteria: Invitae Variant Classification Sherloc (09022015). Collection method: clinical testing. Allele origin: germline.
Comment: This sequence change replaces glycine with tryptophan at codon 131 of the SZT2 protein (p.Gly131Trp). The glycine residue is weakly conserved and there is a large physicochemical difference between glycine and tryptophan. This variant is not present in population databases (ExAC no frequency). This variant has not been reported in the literature in individuals affected with SZT2-related conditions. Algorithms developed to predict the effect of missense changes on protein structure and function are either unavailable or do not agree on the potential impact of this missense change (SIFT: "Deleterious"; PolyPhen-2: "Probably Damaging"; Align-GVGD: "Class C0"). In summary, the available evidence is currently insufficient to determine the role of this variant in disease. Therefore, it has been classified as a Variant of Uncertain Significance.

NM_001365999.1(SZT2):c.391G>T (p.Gly131Trp)

Gene: SZT2 (SZT2 subunit of KICSTOR complex; plus strand). Cytogenetic location: 1p34.2.
Variant type: single nucleotide variant.
Coding change: c.391G>T on transcript NM_001365999.1 (MANE Select); coding-DNA position 391, G replaced by T.
Protein change: p.Gly131Trp; replaces glycine 131 with tryptophan.
Molecular consequence: missense variant.
Genome position (GRCh38, 1-based): chr1:43,404,443, G>T. VCF-style: chr1-43404443-G-T. GRCh37 (hg19) VCF-style: chr1-43870114-G-T.
Other names: c.391G>T, p.Gly131Trp (NM_015284.4); short protein forms G131W.
Identifiers: ClinVar variation 1063994 (VCV001063994.6), dbSNP rs760925618, ClinGen allele CA339997267.